The following is an entry in ClinVar:

NM_006767.4(LZTR1):c.149C>G (p.Thr50Arg)

Gene: LZTR1 (leucine zipper like post translational regulator 1; plus strand). Cytogenetic location: 22q11.21.
Variant type: single nucleotide variant.
Coding change: c.149C>G on transcript NM_006767.4 (MANE Select); coding-DNA position 149, C replaced by G.
Protein change: p.Thr50Arg; replaces threonine 50 with arginine.
Molecular consequence: missense variant.
Genome position (GRCh38, 1-based): chr22:20,982,520, C>G. VCF-style: chr22-20982520-C-G. GRCh37 (hg19) VCF-style: chr22-21336809-C-G.
Other names: short protein forms T50R.
Identifiers: ClinVar variation 3715595 (VCV003715595.2).

ClinVar aggregate classification (germline): Uncertain significance (1 of 4 stars; one submission).

Submission:

Labcorp Genetics (formerly Invitae), Labcorp
Classification: Uncertain significance. Last evaluated: 2024-07-08. Review status: criteria provided, single submitter. Criteria: Invitae Variant Classification Sherloc (09022015). Collection method: clinical testing. Allele origin: germline.
Comment: This sequence change replaces threonine, which is neutral and polar, with arginine, which is basic and polar, at codon 50 of the LZTR1 protein (p.Thr50Arg). This variant is not present in population databases (gnomAD no frequency). This variant has not been reported in the literature in individuals affected with LZTR1-related conditions. Advanced modeling of protein sequence and biophysical properties (such as structural, functional, and spatial information, amino acid conservation, physicochemical variation, residue mobility, and thermodynamic stability) performed at Invitae indicates that this missense variant is not expected to disrupt LZTR1 protein function with a negative predictive value of 80%. In summary, the available evidence is currently insufficient to determine the role of this variant in disease. Therefore, it has been classified as a Variant of Uncertain Significance.